The following is an entry in ClinVar:

ClinVar aggregate classification (germline): Pathogenic (1 of 4 stars; one submission).

Conditions:
Landau-Kleffner syndrome (FESD). Also called: EPILEPSY, FOCAL, WITH SPEECH DISORDER AND WITH OR WITHOUT MENTAL RETARDATION; APHASIA, ACQUIRED, WITH EPILEPSY. Identifiers: Orphanet 1945, Orphanet 725, Orphanet 98818, MedGen C0282512, MONDO:0009509, OMIM 245570.

Submission:

Labcorp Genetics (formerly Invitae), Labcorp
Classification: Pathogenic for Landau-Kleffner syndrome. Last evaluated: 2022-07-26. Review status: criteria provided, single submitter. Criteria: Invitae Variant Classification Sherloc (09022015). Collection method: clinical testing. Allele origin: germline.
Comment: This variant is a gross deletion of the genomic region encompassing exon(s) 11 of the GRIN2A gene. This deletion is out-of-frame, and is expected to create a premature termination codon and result in an absent or disrupted protein product. Loss-of-function variants in GRIN2A are known to be pathogenic (PMID: 23933819, 23933820). This variant has not been reported in the literature in individuals affected with GRIN2A-related conditions. For these reasons, this variant has been classified as Pathogenic.

Literature cited by the submitters: PubMed 23933819; PubMed 23933820.

NC_000016.9:g.(?_9916111)_(9916291_?)del

Gene: GRIN2A (glutamate ionotropic receptor NMDA type subunit 2A; minus strand). Cytogenetic location: 16p13.2.
Variant type: Deletion.
Identifiers: ClinVar variation 1071858 (VCV001071858.8).